The following is an entry in ClinVar:

NC_012920.1(MT-CO1):m.6260G>A

Gene: MT-CO1 (mitochondrially encoded cytochrome c oxidase I; plus strand).
Variant type: single nucleotide variant.
Genome position: chrM-6260-G-A.
Identifiers: ClinVar variation 235511 (VCV000235511.4), dbSNP rs201395766, ClinGen allele CA10581338.

ClinVar aggregate classification (germline): Benign/Likely benign. Review status: criteria provided, multiple submitters, no conflicts (2 of 4 stars). 2 submissions from 2 submitters: Benign (1); Likely benign (1). Last evaluated 2019-03-22.

Submissions (2):

Athena Diagnostics
Classification: Benign. Last evaluated: 2019-03-22. Review status: criteria provided, single submitter. Criteria: Athena Diagnostics Criteria. Collection method: clinical testing. Allele origin: germline.

Center for Pediatric Genomic Medicine, Children's Mercy Hospital and Clinics
Classification: Likely benign. Last evaluated: 2015-06-11. Review status: criteria provided, single submitter. Criteria: ACMG Guidelines, 2015. Collection method: clinical testing. Allele origin: germline.
ClinVar note: Converted during submission from Likely Benign to Likely benign.

Literature cited by the submitters: PubMed 27217714 (cited by Athena Diagnostics).